The following is an entry in ClinVar:

NC_000007.13:g.(147600814_147674953)_(147675082_147815209)del

Gene: CNTNAP2 (contactin associated protein 2; plus strand). Cytogenetic location: 7q35.
Variant type: Deletion.
Identifiers: ClinVar variation 1329039 (VCV001329039.1).

ClinVar aggregate classification (germline): Likely pathogenic (1 of 4 stars; one submission).

Conditions:
Cortical dysplasia-focal epilepsy syndrome (PTHSL1). Also called: Pitt-Hopkins-like syndrome 1. Identifiers: Orphanet 163681, Orphanet 221150, MedGen C2750246, MONDO:0012400, OMIM 610042.

Submission:

Women's Health and Genetics/Laboratory Corporation of America, LabCorp
Classification: Likely pathogenic for Cortical dysplasia-focal epilepsy syndrome. Last evaluated: 2021-11-18. Review status: criteria provided, single submitter. Criteria: LabCorp Variant Classification Summary - May 2015. Collection method: clinical testing. Allele origin: germline.
Comment: Variant summary: The variant identified by MLPA or other technology involves the deletion of exon 15 in the CNTNAP2 gene. A presumed nomenclature of c.(2255+1_2256-1)_(2383+1_2384-1)del has been designated for the purposes of this classification. Although exact breakpoints of this deletion are not known, it is expected to result in a frameshift deletion change in the CNTNAP2 gene, a known mechanism of disease. The variant was absent in 21694 control chromosomes (gnomAD, Structural Variants dataset). To our knowledge, no occurrence of exon 15 deletion in individuals affected with Pitt-Hopkins-Like Syndrome 1 and no experimental evidence demonstrating its impact on protein function have been reported. No clinical diagnostic laboratories have submitted clinical-significance assessments for this variant to ClinVar after 2014. Other CNTNAP2 exon deletions and loss-of-function variants have been reported in patients affected with Pitt-Hopkins-Like Syndrome 1 (e.g. PMID 19896112). Based on the evidence outlined above, the variant was classified as likely pathogenic.